The following is an entry in ClinVar:

ClinVar aggregate classification (germline): Benign. Review status: criteria provided, multiple submitters, no conflicts (2 of 4 stars). 8 submissions from 8 submitters: Benign (4). 4 of the submissions do not count toward it. Last evaluated 2026-02-03.

Conditions:
ATP7A-related disorder. Also called: ATP7A-related condition.
Menkes kinky-hair syndrome (MNK). Also called: Classic Menkes Disease; Copper transport disease; Menkes Disease. Identifiers: Orphanet 565, MedGen C0022716, MONDO:0010651, OMIM 309400.
Cutis laxa, X-linked (OHS). Also called: Occipital horn syndrome; EDS IX. Identifiers: Orphanet 198, MedGen C0268353, MONDO:0010572, OMIM 304150.
X-linked distal spinal muscular atrophy type 3. Also called: NEURONOPATHY, DISTAL HEREDITARY MOTOR, X-LINKED; NEUROPATHY, DISTAL HEREDITARY MOTOR, X-LINKED; SPINAL MUSCULAR ATROPHY, DISTAL, X-LINKED RECESSIVE; ATP7A-Related Distal Motor Neuropathy. Identifiers: Orphanet 139557, MedGen C1845359, MONDO:0010338, OMIM 300489.

Allele frequency attached by ClinVar (database versions not stated): TOPMed 0.00475; 1000 Genomes Project 0.00689; 1000 Genomes Project 30x 0.00708; gnomAD exomes 0.00125 and 0.00049; ESP Exome Variant Server 0.00417; gnomAD 0.00506 and 0.00476; ExAC 0.00154.
gnomAD v4.1: 1,077 of 1,209,082 alleles (0.089%); highest among the groups gnomAD compares: African/African-American, 1.8%; 8 homozygotes.

Submissions (8):

Labcorp Genetics (formerly Invitae), Labcorp
Classification: Benign for X-linked distal spinal muscular atrophy type 3; Cutis laxa, X-linked; Menkes kinky-hair syndrome. Last evaluated: 2026-02-03. Review status: criteria provided, single submitter. Criteria: Invitae Variant Classification Sherloc (09022015). Collection method: clinical testing. Allele origin: germline.

Mayo Clinic Laboratories, Mayo Clinic
Classification: Benign. Last evaluated: 2025-10-21. Review status: criteria provided, single submitter. Criteria: ACMG Guidelines, 2015. Collection method: clinical testing. Allele origin: germline. Observed: 6 variant alleles.
Comment: BS1, BS2

GeneDx
Classification: Benign. Last evaluated: 2017-09-05. Review status: criteria provided, single submitter. Criteria: GeneDx Variant Classification (06012015). Collection method: clinical testing. Allele origin: germline. Affected: yes.
Comment: This variant is considered likely benign or benign based on one or more of the following criteria: it is a conservative change, it occurs at a poorly conserved position in the protein, it is predicted to be benign by multiple in silico algorithms, and/or has population frequency not consistent with disease.

Eurofins Ntd Llc (ga)
Classification: Benign. Last evaluated: 2013-05-02. Review status: criteria provided, single submitter. Criteria: EGL Classification Definitions 2015. Collection method: clinical testing. Allele origin: germline. Observed: 1 variant allele, 1 hemizygote.

Natera, Inc.
Classification: Benign for Distal spinal muscular atrophy, X-linked 3; Cutis laxa, X-linked; Menkes kinky-hair syndrome. Last evaluated: 2020-09-16. Review status: no assertion criteria provided. Collection method: clinical testing. Allele origin: germline. Not counted in ClinVar's aggregate classification.

PreventionGenetics, part of Exact Sciences
Classification: Benign for ATP7A-related condition. Last evaluated: 2019-11-06. Review status: no assertion criteria provided. Collection method: clinical testing. Allele origin: germline. Not counted in ClinVar's aggregate classification.
Comment: This variant is classified as benign based on ACMG/AMP sequence variant interpretation guidelines (Richards et al. 2015 PMID: 25741868, with internal and published modifications).

Clinical Genetics, Academic Medical Center
Classification: Benign. Review status: no assertion criteria provided. Collection method: clinical testing. Allele origin: germline. Affected: yes. Study: VKGL Data-share Consensus. Not counted in ClinVar's aggregate classification.

Laboratory of Diagnostic Genome Analysis, Leiden University Medical Center (LUMC)
Classification: Likely benign. Review status: no assertion criteria provided. Collection method: clinical testing. Allele origin: germline. Affected: yes. Study: VKGL Data-share Consensus. Not counted in ClinVar's aggregate classification.

NM_000052.7(ATP7A):c.610+8G>A

Gene: ATP7A (ATPase copper transporting alpha; plus strand). Cytogenetic location: Xq21.1.
Variant type: single nucleotide variant.
Coding change: c.610+8G>A on transcript NM_000052.7 (MANE Select); 8 bases into the intron after coding-DNA position 610, G replaced by A.
Molecular consequence: intron variant.
Genome position (GRCh38, 1-based): chrX:77,988,739, G>A. VCF-style: chrX-77988739-G-A. GRCh37 (hg19) VCF-style: chrX-77244235-G-A.
Other names: p.?; c.610+8G>A (NM_001282224.2).
Identifiers: ClinVar variation 92385 (VCV000092385.25), dbSNP rs144616937, ClinGen allele CA145667.